The following is an entry in ClinVar:

ClinVar aggregate classification (germline): Uncertain significance (1 of 4 stars; one submission).

Allele frequency attached by ClinVar (database versions not stated): TOPMed 0.00001.
gnomAD v4.1: 6 of 1,547,418 alleles (0.00039%); highest among the groups gnomAD compares: African/African-American, 0.0014%; no homozygotes.

Submission:

Labcorp Genetics (formerly Invitae), Labcorp
Classification: Uncertain significance. Last evaluated: 2022-05-25. Review status: criteria provided, single submitter. Criteria: Invitae Variant Classification Sherloc (09022015). Collection method: clinical testing. Allele origin: germline.
Comment: This sequence change replaces arginine, which is basic and polar, with threonine, which is neutral and polar, at codon 40 of the NSMCE3 protein (p.Arg40Thr). The frequency data for this variant in the population databases is considered unreliable, as metrics indicate poor data quality at this position in the gnomAD database. This variant has not been reported in the literature in individuals affected with NSMCE3-related conditions. Algorithms developed to predict the effect of missense changes on protein structure and function are either unavailable or do not agree on the potential impact of this missense change (SIFT: "Deleterious"; PolyPhen-2: "Benign"; Align-GVGD: "Class C0"). In summary, the available evidence is currently insufficient to determine the role of this variant in disease. Therefore, it has been classified as a Variant of Uncertain Significance.

NM_138704.4(NSMCE3):c.119G>C (p.Arg40Thr)

Genes: ENTREP2 (endosomal transmembrane epsin interactor 2; minus strand), NSMCE3 (NSE3 homolog, SMC5-SMC6 complex component; minus strand). Cytogenetic location: 15q13.1.
Variant type: single nucleotide variant.
Coding change: c.119G>C on transcript NM_138704.4 (MANE Select); coding-DNA position 119, G replaced by C.
Protein change: p.Arg40Thr; replaces arginine 40 with threonine.
Molecular consequence: missense variant. On other transcripts: intron variant (5).
Genome position (GRCh38, 1-based): chr15:29,269,587, C>G on the plus strand (G>C on the coding strand, the complement: NSMCE3 is on the minus strand). VCF-style: chr15-29269587-C-G. GRCh37 (hg19) VCF-style: chr15-29561791-C-G.
Other names: c.-12-17109G>C (NM_001387217.1, NM_001387215.1, NM_001387216.1); c.277-17109G>C (NM_001387214.1, NM_015307.2); short protein forms R40T.
Identifiers: ClinVar variation 1941398 (VCV001941398.2), dbSNP rs1420983185, ClinGen allele CA391484888.